The following is an entry in ClinVar:

NM_000268.4(NF2):c.361C>A (p.Gln121Lys)

Gene: NF2 (NF2, moesin-ezrin-radixin like (MERLIN) tumor suppressor; plus strand). Cytogenetic location: 22q12.2.
Variant type: single nucleotide variant.
Coding change: c.361C>A on transcript NM_000268.4 (MANE Select); coding-DNA position 361, C replaced by A.
Protein change: p.Gln121Lys; replaces glutamine 121 with lysine.
Molecular consequence: missense variant. On other transcripts: non-coding transcript variant (1), intron variant (3).
Genome position (GRCh38, 1-based): chr22:29,639,210, C>A. VCF-style: chr22-29639210-C-A. GRCh37 (hg19) VCF-style: chr22-30035199-C-A.
Other names: c.247C>A, p.Gln83Lys (NM_001407053.1, NM_001407056.1); c.235C>A, p.Gln79Lys (NM_001407055.1, NM_181828.3); c.361C>A, p.Gln121Lys (NM_001407057.1, NM_001407059.1, NM_001407060.1 and 5 more transcripts); c.-280C>A (NM_001407065.1); c.130C>A, p.Gln44Lys (NM_001407067.1); c.240+2334C>A (NM_181829.3); c.115-2992C>A (NM_181830.3, NM_181831.3); short protein forms Q121K, Q44K, Q79K, Q83K.
Identifiers: ClinVar variation 1733302 (VCV001733302.2), dbSNP rs1006294051, ClinGen allele CA411153396.

ClinVar aggregate classification (germline): Uncertain significance (1 of 4 stars; one submission).

Conditions:
Hereditary cancer-predisposing syndrome. Also called: Neoplastic Syndromes, Hereditary; Tumor predisposition; Hereditary Cancer Syndrome; Hereditary neoplastic syndrome. Identifiers: Orphanet 140162, MedGen C0027672, MeSH D009386, MONDO:0015356.

Submission:

Ambry Genetics
Classification: Uncertain significance for Hereditary cancer-predisposing syndrome. Last evaluated: 2022-03-26. Review status: criteria provided, single submitter. Criteria: Ambry Variant Classification Scheme 2023. Collection method: clinical testing. Allele origin: germline.
Comment: The p.Q121K variant (also known as c.361C>A), located in coding exon 3 of the NF2 gene, results from a C to A substitution at nucleotide position 361. The glutamine at codon 121 is replaced by lysine, an amino acid with similar properties. This amino acid position is conserved. In addition, this alteration is predicted to be deleterious by in silico analysis. Since supporting evidence is limited at this time, the clinical significance of this alteration remains unclear.